The following is an entry in ClinVar:

NM_003070.5(SMARCA2):c.3887G>A (p.Cys1296Tyr)

Gene: SMARCA2 (SWI/SNF related BAF chromatin remodeling complex subunit ATPase 2; plus strand). Cytogenetic location: 9p24.3.
Variant type: single nucleotide variant.
Coding change: c.3887G>A on transcript NM_003070.5 (MANE Select); coding-DNA position 3887, G replaced by A.
Protein change: p.Cys1296Tyr; replaces cysteine 1296 with tyrosine.
Molecular consequence: missense variant.
Genome position (GRCh38, 1-based): chr9:2,123,843, G>A. VCF-style: chr9-2123843-G-A. GRCh37 (hg19) VCF-style: chr9-2123843-G-A.
Other names: c.3887G>A, p.Cys1296Tyr (NM_001289396.2, NM_139045.4); c.3713G>A, p.Cys1238Tyr (NM_001289397.2); short protein forms C1238Y, C1296Y.
Identifiers: ClinVar variation 2436133 (VCV002436133.5), dbSNP rs909061146, ClinGen allele CA372790573.

ClinVar aggregate classification (germline): Conflicting classifications of pathogenicity. Review status: criteria provided, conflicting classifications (1 of 4 stars). 3 submissions from 3 submitters: Uncertain significance (2); Likely benign (1). Last evaluated 2025-07-23.

Conditions:
Nicolaides-Baraitser syndrome (NCBRS). Also called: SMARCA2-Related Nicolaides-Baraitser Syndrome; Intellectual disability-sparse hair-brachydactyly syndrome. Identifiers: Orphanet 3051, MedGen C1303073, MONDO:0011053, OMIM 601358.
Blepharophimosis-impaired intellectual development syndrome. Identifiers: Orphanet 637013, MedGen C5443984, MONDO:0859139, OMIM 619293.

Submissions (3):

Labcorp Genetics (formerly Invitae), Labcorp
Classification: Uncertain significance. Last evaluated: 2025-07-23. Review status: criteria provided, single submitter. Criteria: Invitae Variant Classification Sherloc (09022015). Collection method: clinical testing. Allele origin: germline.
Comment: This sequence change replaces cysteine, which is neutral and slightly polar, with tyrosine, which is neutral and polar, at codon 1296 of the SMARCA2 protein (p.Cys1296Tyr). This variant is not present in population databases (gnomAD no frequency). This variant has not been reported in the literature in individuals affected with SMARCA2-related conditions. ClinVar contains an entry for this variant (Variation ID: 2436133). Invitae Evidence Modeling of protein sequence and biophysical properties (such as structural, functional, and spatial information, amino acid conservation, physicochemical variation, residue mobility, and thermodynamic stability) indicates that this missense variant is not expected to disrupt SMARCA2 protein function with a negative predictive value of 80%. In summary, the available evidence is currently insufficient to determine the role of this variant in disease. Therefore, it has been classified as a Variant of Uncertain Significance.

3billion
Classification: Likely benign for Blepharophimosis-impaired intellectual development syndrome; Nicolaides-Baraitser syndrome. Last evaluated: 2024-09-20. Review status: criteria provided, single submitter. Criteria: ACMG Guidelines, 2015. Collection method: clinical testing. Allele origin: germline. Affected: no.
Comment: The variant was identified in at least one patient who was diagnosed with a different variant in another gene and showed no symptoms related to the gene containing the variant in question.

Revvity Omics, Revvity
Classification: Uncertain significance. Last evaluated: 2022-03-30. Review status: criteria provided, single submitter. Criteria: ACMG Guidelines, 2015. Collection method: clinical testing. Allele origin: germline.